The following is an entry in ClinVar:

NM_001077350.3(NPRL3):c.914C>T (p.Ala305Val)

Genes: HBA-LCR (alpha-globin locus control region; plus strand), NPRL3 (NPR3 like, GATOR1 complex subunit; minus strand). Cytogenetic location: 16p13.3.
Variant type: single nucleotide variant.
Coding change: c.914C>T on transcript NM_001077350.3 (MANE Select); coding-DNA position 914, C replaced by T.
Protein change: p.Ala305Val; replaces alanine 305 with valine.
Molecular consequence: missense variant.
Genome position (GRCh38, 1-based): chr16:98,155, G>A on the plus strand (C>T on the coding strand, the complement: NPRL3 is on the minus strand). VCF-style: chr16-98155-G-A. GRCh37 (hg19) VCF-style: chr16-148153-G-A.
Other names: c.377C>T, p.Ala126Val (NM_001039476.3); c.680C>T, p.Ala227Val (NM_001243247.2); c.839C>T, p.Ala280Val (NM_001243248.2, NM_001243249.2); short protein forms A126V, A227V, A280V, A305V.
Identifiers: ClinVar variation 1063824 (VCV001063824.2), dbSNP rs2141920111, ClinGen allele CA394055059.
Genomic context (GRCh38, chr16:98,155, plus strand): 5'-GATGCCCCAGCACCGCCACATGCCACCCATCTGGGCCTCCAGAGCTATACCTGCAGCAAG[G>A]CCAGGTCCGCATCTTGGGCTAGCTGCTGCAGGTTCTTCACAGCAGATGTGGTCTTGATCA-3'
Protein context (NP_001070818.1, residues 295-315): LQQLAQDADL[Ala305Val]LLQVFQLAAH

ClinVar aggregate classification (germline): Uncertain significance (1 of 4 stars; one submission).

Conditions:
Epilepsy, familial focal, with variable foci 3 (FFEVF3). Identifiers: MedGen C4310708, MONDO:0014925, OMIM 617118.

gnomAD v4.1: 1 of 1,613,678 alleles (0.000062%); highest among the groups gnomAD compares: Non-Finnish European, 0.000085%; no homozygotes.

Submission:

Labcorp Genetics (formerly Invitae), Labcorp
Classification: Uncertain significance for Epilepsy, familial focal, with variable foci 3. Last evaluated: 2020-10-24. Review status: criteria provided, single submitter. Criteria: Invitae Variant Classification Sherloc (09022015). Collection method: clinical testing. Allele origin: germline.
Comment: This sequence change replaces alanine with valine at codon 305 of the NPRL3 protein (p.Ala305Val). The alanine residue is moderately conserved and there is a small physicochemical difference between alanine and valine. This variant is not present in population databases (ExAC no frequency). This variant has not been reported in the literature in individuals with NPRL3-related conditions. Experimental studies and prediction algorithms are not available or were not evaluated, and the functional significance of this variant is currently unknown. In summary, the available evidence is currently insufficient to determine the role of this variant in disease. Therefore, it has been classified as a Variant of Uncertain Significance.